The following is an entry in ClinVar:

NM_004360.5(CDH1):c.2614C>G (p.Leu872Val)

Gene: CDH1 (cadherin 1; plus strand). Cytogenetic location: 16q22.1.
Variant type: single nucleotide variant.
Coding change: c.2614C>G on transcript NM_004360.5 (MANE Select); coding-DNA position 2614, C replaced by G.
Protein change: p.Leu872Val; replaces leucine 872 with valine.
Molecular consequence: missense variant.
Genome position (GRCh38, 1-based): chr16:68,833,464, C>G. VCF-style: chr16-68833464-C-G. GRCh37 (hg19) VCF-style: chr16-68867367-C-G.
Other names: c.2431C>G, p.Leu811Val (NM_001317184.2); c.1066C>G, p.Leu356Val (NM_001317185.2); c.649C>G, p.Leu217Val (NM_001317186.2); short protein forms L217V, L356V, L872V, L811V.
Identifiers: ClinVar variation 1405890 (VCV001405890.8), dbSNP rs749203461, ClinGen allele CA396472745.
Genomic context (GRCh38, chr16:68,833,464, plus strand): 5'-GAGTCAGACAAAGACCAGGACTATGACTACTTGAACGAATGGGGCAATCGCTTCAAGAAG[C>G]TGGCTGACATGTACGGAGGCGGCGAGGACGACTAGGGGACTCGAGAGAGGCGGGCCCCAG-3'
Protein context (NP_004351.1, residues 862-882): LNEWGNRFKK[Leu872Val]ADMYGGGEDD

ClinVar aggregate classification (germline): Uncertain significance (1 of 4 stars; one submission).

Conditions:
Hereditary diffuse gastric adenocarcinoma (HDGC). Also called: DIFFUSE GASTRIC AND LOBULAR BREAST CANCER SYNDROME. Identifiers: Orphanet 26106, MedGen C1708349, MONDO:0007648, OMIM 137215.

Submission:

Labcorp Genetics (formerly Invitae), Labcorp
Classification: Uncertain significance for Hereditary diffuse gastric adenocarcinoma. Last evaluated: 2021-01-30. Review status: criteria provided, single submitter. Criteria: Invitae Variant Classification Sherloc (09022015). Collection method: clinical testing. Allele origin: germline.
Comment: This variant has not been reported in the literature in individuals with CDH1-related conditions. This sequence change replaces leucine with valine at codon 872 of the CDH1 protein (p.Leu872Val). The leucine residue is highly conserved and there is a small physicochemical difference between leucine and valine. This variant is not present in population databases (ExAC no frequency). Algorithms developed to predict the effect of missense changes on protein structure and function are either unavailable or do not agree on the potential impact of this missense change (SIFT: "Deleterious"; PolyPhen-2: "Probably Damaging"; Align-GVGD: "Class C0"). Algorithms developed to predict the effect of sequence changes on RNA splicing suggest that this variant may create or strengthen a splice site, but this prediction has not been confirmed by published transcriptional studies. In summary, the available evidence is currently insufficient to determine the role of this variant in disease. Therefore, it has been classified as a Variant of Uncertain Significance.